The following is an entry in ClinVar:

NM_000489.6(ATRX):c.6975+6T>C

Gene: ATRX (ATRX chromatin remodeler; minus strand). Cytogenetic location: Xq21.1.
Variant type: single nucleotide variant.
Coding change: c.6975+6T>C on transcript NM_000489.6 (MANE Select); 6 bases into the intron after coding-DNA position 6975, T replaced by C.
Molecular consequence: intron variant.
Genome position (GRCh38, 1-based): chrX:77,522,257, A>G on the plus strand (T>C on the coding strand, the complement: ATRX is on the minus strand). VCF-style: chrX-77522257-A-G. GRCh37 (hg19) VCF-style: chrX-76777735-A-G.
Other names: c.6861+6T>C (NM_138270.5).
Identifiers: ClinVar variation 2007433 (VCV002007433.1), dbSNP rs2063255873, ClinGen allele CA2438933478.

ClinVar aggregate classification (germline): Uncertain significance (1 of 4 stars; one submission).

Conditions:
Alpha thalassemia-X-linked intellectual disability syndrome (ATRX). Also called: ALPHA-THALASSEMIA/MENTAL RETARDATION SYNDROME, X-LINKED; ATR, NONDELETION TYPE; ATR-X syndrome; Alpha thalassemia mental retardation syndrome, nondeletion type, X-linked; XLMR hypotonic face syndrome; X-linked alpha-thalassemia-mental retardation syndrome. Identifiers: Orphanet 847, MedGen C1845055, MONDO:0010519, OMIM 301040.

Allele frequency attached by ClinVar (database versions not stated): gnomAD exomes below 0.00001.
gnomAD v4.1: 3 of 1,210,299 alleles (0.00025%); highest among the groups gnomAD compares: African/African-American, 0.0052%; no homozygotes.

Submission:

Labcorp Genetics (formerly Invitae), Labcorp
Classification: Uncertain significance for Alpha thalassemia-X-linked intellectual disability syndrome. Last evaluated: 2022-06-16. Review status: criteria provided, single submitter. Criteria: Invitae Variant Classification Sherloc (09022015). Collection method: clinical testing. Allele origin: germline.
Comment: This sequence change falls in intron 32 of the ATRX gene. It does not directly change the encoded amino acid sequence of the ATRX protein. It affects a nucleotide within the consensus splice site. This variant is not present in population databases (gnomAD no frequency). This variant has not been reported in the literature in individuals affected with ATRX-related conditions. Variants that disrupt the consensus splice site are a relatively common cause of aberrant splicing (PMID: 17576681, 9536098). Algorithms developed to predict the effect of sequence changes on RNA splicing suggest that this variant is not likely to affect RNA splicing. In summary, the available evidence is currently insufficient to determine the role of this variant in disease. Therefore, it has been classified as a Variant of Uncertain Significance.

Literature cited by the submitters: PubMed 17576681; PubMed 9536098.